The following is an entry in ClinVar:

NM_021098.3(CACNA1H):c.6095G>C (p.Arg2032Thr)

Gene: CACNA1H (calcium voltage-gated channel subunit alpha1 H; plus strand). Cytogenetic location: 16p13.3.
Variant type: single nucleotide variant.
Coding change: c.6095G>C on transcript NM_021098.3 (MANE Select); coding-DNA position 6095, G replaced by C.
Protein change: p.Arg2032Thr; replaces arginine 2032 with threonine.
Molecular consequence: missense variant.
Genome position (GRCh38, 1-based): chr16:1,220,027, G>C. VCF-style: chr16-1220027-G-C. GRCh37 (hg19) VCF-style: chr16-1270027-G-C.
Other names: c.6077G>C, p.Arg2026Thr (NM_001005407.2); short protein forms R2032T, R2026T.
Identifiers: ClinVar variation 4784521 (VCV004784521.1).

ClinVar aggregate classification (germline): Uncertain significance (1 of 4 stars; one submission).

Conditions:
Hyperaldosteronism, familial, type IV (HALD4). Also called: FH IV; ALDOSTERONISM, PRIMARY, AND HYPERTENSION. Identifiers: Orphanet 642671, MedGen C4310756, MONDO:0014875, OMIM 617027.
Idiopathic generalized epilepsy. Also called: EIG; Generalised epilepsy. Identifiers: MedGen C0270850, MONDO:0005579, OMIM 600669.

gnomAD v4.1: 6 of 1,406,164 alleles (0.00043%); highest among the groups gnomAD compares: Non-Finnish European, 0.00056%; no homozygotes.

Submission:

Labcorp Genetics (formerly Invitae), Labcorp
Classification: Uncertain significance for Idiopathic generalized epilepsy; Hyperaldosteronism, familial, type IV. Last evaluated: 2025-06-03. Review status: criteria provided, single submitter. Criteria: Invitae Variant Classification Sherloc (09022015). Collection method: clinical testing. Allele origin: germline.
Comment: This sequence change replaces arginine, which is basic and polar, with threonine, which is neutral and polar, at codon 2032 of the CACNA1H protein (p.Arg2032Thr). This variant is not present in population databases (gnomAD no frequency). This variant has not been reported in the literature in individuals affected with CACNA1H-related conditions. Invitae Evidence Modeling of protein sequence and biophysical properties (such as structural, functional, and spatial information, amino acid conservation, physicochemical variation, residue mobility, and thermodynamic stability) indicates that this missense variant is not expected to disrupt CACNA1H protein function with a negative predictive value of 80%. In summary, the available evidence is currently insufficient to determine the role of this variant in disease. Therefore, it has been classified as a Variant of Uncertain Significance.